The following is an entry in ClinVar:

NM_001040108.2(MLH3):c.3411G>A (p.Ser1137=)

Gene: MLH3 (mutL homolog 3; minus strand). Cytogenetic location: 14q24.3.
Variant type: single nucleotide variant.
Coding change: c.3411G>A on transcript NM_001040108.2 (MANE Select); coding-DNA position 3411, G replaced by A.
Protein change: p.Ser1137=; no amino-acid change (serine 1137 retained).
Molecular consequence: synonymous variant.
Genome position (GRCh38, 1-based): chr14:75,041,669, C>T on the plus strand (G>A on the coding strand, the complement: MLH3 is on the minus strand). VCF-style: chr14-75041669-C-T. GRCh37 (hg19) VCF-style: chr14-75508372-C-T.
Other names: c.3411G>A, p.Ser1137= (NM_014381.3).
Identifiers: ClinVar variation 1543802 (VCV001543802.14), dbSNP rs746749487, ClinGen allele CA7275503.

ClinVar aggregate classification (germline): Benign/Likely benign. Review status: criteria provided, multiple submitters, no conflicts (2 of 4 stars). 4 submissions from 4 submitters: Benign (1); Likely benign (3). Last evaluated 2026-05-06.

Conditions:
Colorectal cancer, hereditary nonpolyposis, type 7. Identifiers: Orphanet 144, MedGen C1858380, MONDO:0013725, OMIM 614385.

Allele frequency attached by ClinVar (database versions not stated): gnomAD 0.00001.
gnomAD v4.1: 19 of 1,613,874 alleles (0.0012%); highest among the groups gnomAD compares: South Asian, 0.0022%; no homozygotes.

Submissions (4):

Myriad Genetics, Inc.
Classification: Benign for Colorectal cancer, hereditary nonpolyposis, type 7. Last evaluated: 2026-05-06. Review status: criteria provided, single submitter. Criteria: Myriad Autosomal Dominant, Autosomal Recessive and X-Linked Classification Criteria (2023). Collection method: clinical testing. Allele origin: unknown.
Comment: This variant is considered benign. This variant is a silent/synonymous amino acid change and it is not expected to impact splicing.

Center for Genomic Medicine, Rigshospitalet, Copenhagen University Hospital
Classification: Likely benign. Last evaluated: 2025-03-04. Review status: criteria provided, single submitter. Criteria: ACMG Guidelines, 2015. Collection method: clinical testing. Allele origin: germline.

Labcorp Genetics (formerly Invitae), Labcorp
Classification: Likely benign for Colorectal cancer, hereditary nonpolyposis, type 7. Last evaluated: 2022-08-21. Review status: criteria provided, single submitter. Criteria: Invitae Variant Classification Sherloc (09022015). Collection method: clinical testing. Allele origin: germline.

Ambry Genetics
Classification: Likely benign. Last evaluated: 2019-06-17. Review status: criteria provided, single submitter. Criteria: Ambry Variant Classification Scheme 2023. Collection method: clinical testing. Allele origin: germline.